The following is an entry in ClinVar:

ClinVar aggregate classification (germline): Uncertain significance (1 of 4 stars; one submission).

Submission:

GeneDx
Classification: Uncertain significance. Last evaluated: 2024-01-04. Review status: criteria provided, single submitter. Criteria: GeneDx Variant Classification Process June 2021. Collection method: clinical testing. Allele origin: germline. Affected: yes.
Comment: Not observed at significant frequency in large population cohorts (gnomAD); In silico analysis supports that this missense variant does not alter protein structure/function; Has not been previously published as pathogenic or benign to our knowledge

NM_001270.4(CHD1):c.1732C>T (p.His578Tyr)

Gene: CHD1 (chromodomain helicase DNA binding protein 1; minus strand). Cytogenetic location: 5q15.
Variant type: single nucleotide variant.
Coding change: c.1732C>T on transcript NM_001270.4 (MANE Select); coding-DNA position 1732, C replaced by T.
Protein change: p.His578Tyr; replaces histidine 578 with tyrosine.
Molecular consequence: missense variant. On other transcripts: non-coding transcript variant (2).
Genome position (GRCh38, 1-based): chr5:98,894,665, G>A on the plus strand (C>T on the coding strand, the complement: CHD1 is on the minus strand). VCF-style: chr5-98894665-G-A. GRCh37 (hg19) VCF-style: chr5-98230369-G-A.
Other names: c.1732C>T, p.His578Tyr (NM_001364113.3, NM_001376194.2); short protein forms H578Y.
Identifiers: ClinVar variation 3367447 (VCV003367447.1).